The following is an entry in ClinVar:

ClinVar aggregate classification (germline): Pathogenic (1 of 4 stars; one submission).

Submission:

GeneDx
Classification: Pathogenic. Last evaluated: 2025-05-02. Review status: criteria provided, single submitter. Criteria: GeneDx Variant Classification Process June 2021. Collection method: clinical testing. Allele origin: germline. Affected: yes.
Comment: In silico analysis, which includes protein predictors and evolutionary conservation, supports a deleterious effect; Has not been previously published as pathogenic or benign to our knowledge

NM_005629.4(SLC6A8):c.991A>G (p.Asn331Asp)

Gene: SLC6A8 (solute carrier family 6 member 8; plus strand). Cytogenetic location: Xq28.
Variant type: single nucleotide variant.
Coding change: c.991A>G on transcript NM_005629.4 (MANE Select); coding-DNA position 991, A replaced by G.
Protein change: p.Asn331Asp; replaces asparagine 331 with aspartic acid.
Molecular consequence: missense variant.
Genome position (GRCh38, 1-based): chrX:153,693,341, A>G. VCF-style: chrX-153693341-A-G. GRCh37 (hg19) VCF-style: chrX-152958796-A-G.
Other names: c.991A>G, p.Asn331Asp (NM_001142805.2); c.646A>G, p.Asn216Asp (NM_001142806.1); short protein forms N216D, N331D.
Identifiers: ClinVar variation 4528296 (VCV004528296.1).